The following is an entry in ClinVar:

NM_002582.4(PARN):c.555-3C>T

Gene: PARN (poly(A)-specific ribonuclease; minus strand). Cytogenetic location: 16p13.12.
Variant type: single nucleotide variant.
Coding change: c.555-3C>T on transcript NM_002582.4 (MANE Select); 3 bases into the intron before coding-DNA position 555, C replaced by T.
Molecular consequence: intron variant.
Genome position (GRCh38, 1-based): chr16:14,609,126, G>A on the plus strand (C>T on the coding strand, the complement: PARN is on the minus strand). VCF-style: chr16-14609126-G-A. GRCh37 (hg19) VCF-style: chr16-14702983-G-A.
Other names: c.372-3C>T (NM_001134477.3); c.417-3C>T (NM_001242992.2).
Identifiers: ClinVar variation 2417219 (VCV002417219.10), dbSNP rs1280911538, ClinGen allele CA621029843.

ClinVar aggregate classification (germline): Uncertain significance (1 of 4 stars; one submission).

Conditions:
Dyskeratosis congenita, autosomal recessive 6 (DKCB6). Identifiers: MedGen C4225356, MONDO:0014600, OMIM 616353.
Pulmonary fibrosis and/or bone marrow failure, Telomere-related, 4. Also called: PULMONARY FIBROSIS AND/OR BONE MARROW FAILURE SYNDROME, TELOMERE-RELATED, 4. Identifiers: Orphanet 2032, MedGen C4225347, MONDO:0014612, OMIM 616371.

gnomAD v4.1: 1 of 1,440,704 alleles (0.000069%); highest among the groups gnomAD compares: South Asian, 0.0012%; no homozygotes.

Submission:

Labcorp Genetics (formerly Invitae), Labcorp
Classification: Uncertain significance for Dyskeratosis congenita, autosomal recessive 6; Pulmonary fibrosis and/or bone marrow failure, Telomere-related, 4. Last evaluated: 2022-09-10. Review status: criteria provided, single submitter. Criteria: Invitae Variant Classification Sherloc (09022015). Collection method: clinical testing. Allele origin: germline.
Comment: In summary, the available evidence is currently insufficient to determine the role of this variant in disease. Therefore, it has been classified as a Variant of Uncertain Significance. Variants that disrupt the consensus splice site are a relatively common cause of aberrant splicing (PMID: 17576681, 9536098). Algorithms developed to predict the effect of sequence changes on RNA splicing suggest that this variant is not likely to affect RNA splicing. This variant has not been reported in the literature in individuals affected with PARN-related conditions. The frequency data for this variant in the population databases is considered unreliable, as metrics indicate poor data quality at this position in the gnomAD database. This sequence change falls in intron 7 of the PARN gene. It does not directly change the encoded amino acid sequence of the PARN protein. It affects a nucleotide within the consensus splice site.

Literature cited by the submitters: PubMed 17576681; PubMed 9536098.